The following is an entry in ClinVar:

ClinVar aggregate classification (germline): Uncertain significance (1 of 4 stars; one submission).

gnomAD v4.1: 2 of 1,612,754 alleles (0.00012%); highest among the groups gnomAD compares: Non-Finnish European, 0.00017%; no homozygotes.

Submission:

GeneDx
Classification: Uncertain significance. Last evaluated: 2026-03-24. Review status: criteria provided, single submitter. Criteria: GeneDx Variant Classification Process June 2021. Collection method: clinical testing. Allele origin: germline.
Comment: Not observed at significant frequency in large population cohorts (gnomAD); In silico analysis supports that this missense variant has a deleterious effect on protein structure/function; Has not been previously published as pathogenic or benign to our knowledge

NM_000815.5(GABRD):c.1091C>T (p.Ser364Phe)

Gene: GABRD (gamma-aminobutyric acid type A receptor subunit delta; plus strand). Cytogenetic location: 1p36.33.
Variant type: single nucleotide variant.
Coding change: c.1091C>T on transcript NM_000815.5 (MANE Select); coding-DNA position 1091, C replaced by T.
Protein change: p.Ser364Phe; replaces serine 364 with phenylalanine.
Molecular consequence: missense variant.
Genome position (GRCh38, 1-based): chr1:2,030,014, C>T. VCF-style: chr1-2030014-C-T. GRCh37 (hg19) VCF-style: chr1-1961453-C-T.
Other names: short protein forms S364F.
Identifiers: ClinVar variation 5017288 (VCV005017288.1), dbSNP rs142619552.
Genomic context (GRCh38, chr1:2,030,014, plus strand): 5'-CCCTGTCTCCCCCACCGGCCTTCGTGCAGATGGACGTGAGGAACGCCATTGTCCTCTTCT[C>T]CCTCTCTGCTGCCGGCGTCACGCAGGAGCTGGCCATCTCCCGCCGGCAGCGCCGCGTCCC-3'
Protein context (NP_000806.2, residues 354-374): MDVRNAIVLF[Ser364Phe]LSAAGVTQEL